The following is an entry in ClinVar:

ClinVar aggregate classification (germline): Conflicting classifications of pathogenicity. Review status: criteria provided, conflicting classifications (1 of 4 stars). 3 submissions from 3 submitters: Uncertain significance (2); Likely benign (1). Last evaluated 2025-05-13.

Conditions:
Distal hereditary motor neuropathy type 2. Identifiers: Orphanet 139525, MedGen C3711384, MeSH C580044, MONDO:0015352.

Allele frequency attached by ClinVar (database versions not stated): ExAC 0.00002; gnomAD 0.00007 and 0.00008; gnomAD exomes 0.00007 and 0.00009; TOPMed 0.00008.
gnomAD v4.1: 138 of 1,611,444 alleles (0.0086%); highest among the groups gnomAD compares: Non-Finnish European, 0.011%; no homozygotes.

Submissions (3):

Women's Health and Genetics/Laboratory Corporation of America, LabCorp
Classification: Uncertain significance. Last evaluated: 2025-05-13. Review status: criteria provided, single submitter. Criteria: LabCorp Variant Classification Summary - May 2015. Collection method: clinical testing. Allele origin: germline.
Comment: Variant summary: FBXO38 c.561A>G (p.Ile187Met) results in a conservative amino acid change in the encoded protein sequence. Algorithms developed to predict the effect of missense changes on protein structure and function are either unavailable or do not agree on the potential impact of this missense change. The variant allele was found at a frequency of 7.2e-05 in 250522 control chromosomes. The observed variant frequency is approximately 115 fold of the estimated maximal expected allele frequency for a pathogenic variant in FBXO38 causing Neuronopathy, distal hereditary motor, type 2D phenotype (6.3e-07). To our knowledge, no occurrence of c.561A>G in individuals affected with Neuronopathy, distal hereditary motor, type 2D and no experimental evidence demonstrating its impact on protein function have been reported. ClinVar contains an entry for this variant (Variation ID: 473960). Based on the evidence outlined above, the variant was classified as uncertain significance.

Labcorp Genetics (formerly Invitae), Labcorp
Classification: Uncertain significance for Distal hereditary motor neuropathy type 2. Last evaluated: 2025-03-10. Review status: criteria provided, single submitter. Criteria: Invitae Variant Classification Sherloc (09022015). Collection method: clinical testing. Allele origin: germline.
Comment: This sequence change replaces isoleucine, which is neutral and non-polar, with methionine, which is neutral and non-polar, at codon 187 of the FBXO38 protein (p.Ile187Met). This variant is present in population databases (rs750935580, gnomAD 0.01%). This variant has not been reported in the literature in individuals affected with FBXO38-related conditions. ClinVar contains an entry for this variant (Variation ID: 473960). Invitae Evidence Modeling of protein sequence and biophysical properties (such as structural, functional, and spatial information, amino acid conservation, physicochemical variation, residue mobility, and thermodynamic stability) indicates that this missense variant is not expected to disrupt FBXO38 protein function with a negative predictive value of 80%. In summary, the available evidence is currently insufficient to determine the role of this variant in disease. Therefore, it has been classified as a Variant of Uncertain Significance.

Ambry Genetics
Classification: Likely benign. Last evaluated: 2020-07-21. Review status: criteria provided, single submitter. Criteria: Ambry Variant Classification Scheme 2023. Collection method: clinical testing. Allele origin: germline.

NM_205836.3(FBXO38):c.561A>G (p.Ile187Met)

Gene: FBXO38 (F-box protein 38; plus strand). Cytogenetic location: 5q32.
Variant type: single nucleotide variant.
Coding change: c.561A>G on transcript NM_205836.3 (MANE Select); coding-DNA position 561, A replaced by G.
Protein change: p.Ile187Met; replaces isoleucine 187 with methionine.
Molecular consequence: missense variant.
Genome position (GRCh38, 1-based): chr5:148,402,482, A>G. VCF-style: chr5-148402482-A-G. GRCh37 (hg19) VCF-style: chr5-147782045-A-G.
Other names: c.561A>G, p.Ile187Met (NM_001271723.2, NM_030793.5); short protein forms I187M.
Identifiers: ClinVar variation 473960 (VCV000473960.14), dbSNP rs750935580, ClinGen allele CA3497054.
Genomic context (GRCh38, chr5:148,402,482, plus strand): 5'-ATTTCGTAATCGTAATGGAGCTTTTCCAATTCCTCCTGAAAATAAACTGAAAATTCCTAT[A>G]GGAGCCAAAATTCAAACTTTACATTTAGTTGGTGAGTACATGTTTCTTGGGTCACTTGTA-3'
Protein context (NP_995308.1, residues 177-197): IPPENKLKIP[Ile187Met]GAKIQTLHLV